The following is an entry in ClinVar:

ClinVar aggregate classification (germline): Benign/Likely benign. Review status: criteria provided, multiple submitters, no conflicts (2 of 4 stars). 2 submissions from 2 submitters: Benign (1); Likely benign (1). Last evaluated 2025-06-22.

Conditions:
Familial adenomatous polyposis 1 (FAP1). Also called: POLYPOSIS, ADENOMATOUS INTESTINAL; FAMILIAL ADENOMATOUS POLYPOSIS 1, ATTENUATED. Identifiers: MedGen C2713442, MONDO:0021056, OMIM 175100. Disease mechanism: loss of function.
Hereditary cancer-predisposing syndrome. Also called: Neoplastic Syndromes, Hereditary; Tumor predisposition; Hereditary neoplastic syndrome; Hereditary Cancer Syndrome. Identifiers: Orphanet 140162, MedGen C0027672, MeSH D009386, MONDO:0015356.

Allele frequency attached by ClinVar (database versions not stated): gnomAD exomes below 0.00001.
gnomAD v4.1: 1 of 1,612,926 alleles (0.000062%); highest among the groups gnomAD compares: Non-Finnish European, 0.000085%; no homozygotes.

Submissions (2):

Ambry Genetics
Classification: Likely benign for Hereditary cancer-predisposing syndrome. Last evaluated: 2025-06-22. Review status: criteria provided, single submitter. Criteria: Ambry Variant Classification Scheme 2023. Collection method: clinical testing. Allele origin: germline.

Myriad Genetics, Inc.
Classification: Benign for Familial adenomatous polyposis 1. Last evaluated: 2024-03-08. Review status: criteria provided, single submitter. Criteria: Myriad Autosomal Dominant, Autosomal Recessive and X-Linked Classification Criteria (2023). Collection method: clinical testing. Allele origin: unknown.
Comment: This variant is considered benign. This variant is a silent/synonymous amino acid change and it is not expected to impact splicing.

NM_000038.6(APC):c.1998A>G (p.Leu666=)

Gene: APC (APC regulator of Wnt signaling pathway; plus strand). Cytogenetic location: 5q22.2.
Variant type: single nucleotide variant.
Coding change: c.1998A>G on transcript NM_000038.6 (MANE Select); coding-DNA position 1998, A replaced by G.
Protein change: p.Leu666=; no amino-acid change (leucine 666 retained).
Molecular consequence: synonymous variant. On other transcripts: non-coding transcript variant (2).
Genome position (GRCh38, 1-based): chr5:112,837,592, A>G. VCF-style: chr5-112837592-A-G. GRCh37 (hg19) VCF-style: chr5-112173289-A-G.
Other names: c.1998A>G, p.Leu666= (NM_001127510.3, NM_001354895.2, NM_001407450.1); c.1944A>G, p.Leu648= (NM_001127511.3); c.2052A>G, p.Leu684= (NM_001354896.2, NM_001407447.1, NM_001407448.1 and 1 more transcripts); c.2028A>G, p.Leu676= (NM_001354897.2); c.1923A>G, p.Leu641= (NM_001354898.2); c.1914A>G, p.Leu638= (NM_001354899.2); c.1875A>G, p.Leu625= (NM_001354900.2); c.1821A>G, p.Leu607= (NM_001354901.2, NM_001407453.1); and 12 more.
Identifiers: ClinVar variation 3148814 (VCV003148814.2), dbSNP rs2149858412, ClinGen allele CA445963307.